The following is an entry in ClinVar:

NM_000553.6(WRN):c.2509A>G (p.Ile837Val)

Gene: WRN (WRN RecQ like helicase; plus strand). Cytogenetic location: 8p12.
Variant type: single nucleotide variant.
Coding change: c.2509A>G on transcript NM_000553.6 (MANE Select); coding-DNA position 2509, A replaced by G.
Protein change: p.Ile837Val; replaces isoleucine 837 with valine.
Molecular consequence: missense variant.
Genome position (GRCh38, 1-based): chr8:31,120,303, A>G. VCF-style: chr8-31120303-A-G. GRCh37 (hg19) VCF-style: chr8-30977819-A-G.
Other names: c.2509A>G (NM_000553.4); short protein forms I837V.
Identifiers: ClinVar variation 1467191 (VCV001467191.5), dbSNP rs762233119, ClinGen allele CA4704768.

ClinVar aggregate classification (germline): Uncertain significance. Review status: criteria provided, multiple submitters, no conflicts (2 of 4 stars). 2 submissions from 2 submitters: Uncertain significance (2). Last evaluated 2025-02-09.

Conditions:
Werner syndrome (WRN). Identifiers: Orphanet 902, MedGen C0043119, MONDO:0010196, OMIM 277700.
Inborn genetic diseases. Identifiers: MedGen C0950123, MeSH D030342.

Allele frequency attached by ClinVar (database versions not stated): gnomAD exomes below 0.00001; ExAC 0.00001; gnomAD 0.00001; TOPMed 0.00001.
gnomAD v4.1: 3 of 1,613,010 alleles (0.00019%); highest among the groups gnomAD compares: Non-Finnish European, 0.00017%; no homozygotes.

Submissions (2):

Labcorp Genetics (formerly Invitae), Labcorp
Classification: Uncertain significance for Werner syndrome. Last evaluated: 2025-02-09. Review status: criteria provided, single submitter. Criteria: Invitae Variant Classification Sherloc (09022015). Collection method: clinical testing. Allele origin: germline.
Comment: This sequence change replaces isoleucine, which is neutral and non-polar, with valine, which is neutral and non-polar, at codon 837 of the WRN protein (p.Ile837Val). This variant is present in population databases (rs762233119, gnomAD 0.0009%). This variant has not been reported in the literature in individuals affected with WRN-related conditions. ClinVar contains an entry for this variant (Variation ID: 1467191). An algorithm developed to predict the effect of missense changes on protein structure and function (PolyPhen-2) suggests that this variant is likely to be disruptive. In summary, the available evidence is currently insufficient to determine the role of this variant in disease. Therefore, it has been classified as a Variant of Uncertain Significance.

Ambry Genetics
Classification: Uncertain significance for Inborn genetic diseases. Last evaluated: 2024-11-12. Review status: criteria provided, single submitter. Criteria: Ambry Variant Classification Scheme 2023. Collection method: clinical testing. Allele origin: germline.